The following is an entry in ClinVar:

NM_001042681.2(RERE):c.3083T>G (p.Val1028Gly)

Gene: RERE (arginine-glutamic acid dipeptide repeats; minus strand). Cytogenetic location: 1p36.23.
Variant type: single nucleotide variant.
Coding change: c.3083T>G on transcript NM_001042681.2 (MANE Select); coding-DNA position 3083, T replaced by G.
Protein change: p.Val1028Gly; replaces valine 1028 with glycine.
Molecular consequence: missense variant.
Genome position (GRCh38, 1-based): chr1:8,360,424, A>C on the plus strand (T>G on the coding strand, the complement: RERE is on the minus strand). VCF-style: chr1-8360424-A-C. GRCh37 (hg19) VCF-style: chr1-8420484-A-C.
Other names: c.1421T>G, p.Val474Gly (NM_001042682.2); c.3083T>G, p.Val1028Gly (NM_012102.4); short protein forms V474G, V1028G.
Identifiers: ClinVar variation 5009190 (VCV005009190.1).

ClinVar aggregate classification (germline): Uncertain significance (1 of 4 stars; one submission).

Submission:

GeneDx
Classification: Uncertain significance. Last evaluated: 2026-03-17. Review status: criteria provided, single submitter. Criteria: GeneDx Variant Classification Process June 2021. Collection method: clinical testing. Allele origin: germline.
Comment: Not observed at significant frequency in large population cohorts (gnomAD); In silico analysis suggests that this missense variant does not alter protein structure/function; Has not been previously published as pathogenic or benign to our knowledge